The following is an entry in ClinVar:

ClinVar aggregate classification (germline): Likely benign. Review status: criteria provided, multiple submitters, no conflicts (2 of 4 stars). 2 submissions from 2 submitters: Likely benign (2). Last evaluated 2024-06-01.

Allele frequency attached by ClinVar (database versions not stated): gnomAD 0.00001; TOPMed 0.00001; gnomAD exomes 0.00002.
gnomAD v4.1: 33 of 1,613,644 alleles (0.002%); highest among the groups gnomAD compares: Non-Finnish European, 0.0027%; no homozygotes.

Submissions (2):

CeGaT Center for Human Genetics Tuebingen
Classification: Likely benign. Last evaluated: 2024-06-01. Review status: criteria provided, single submitter. Criteria: CeGaT Center For Human Genetics Tuebingen Variant Classification Criteria Version 2. Collection method: clinical testing. Allele origin: germline. Affected: yes. Observed: 1 variant allele.
Comment: DNAJC5: BP4, BP7

Blueprint Genetics
Classification: Likely benign. Last evaluated: 2024-04-09. Review status: criteria provided, single submitter. Criteria: ACMG Guidelines, 2015. Collection method: clinical testing. Allele origin: germline.

NM_025219.3(DNAJC5):c.21C>T (p.Arg7=)

Gene: DNAJC5 (DnaJ heat shock protein family (Hsp40) member C5; plus strand). Cytogenetic location: 20q13.33.
Variant type: single nucleotide variant.
Coding change: c.21C>T on transcript NM_025219.3 (MANE Select); coding-DNA position 21, C replaced by T.
Protein change: p.Arg7=; no amino-acid change (arginine 7 retained).
Molecular consequence: synonymous variant.
Genome position (GRCh38, 1-based): chr20:63,928,366, C>T. VCF-style: chr20-63928366-C-T. GRCh37 (hg19) VCF-style: chr20-62559719-C-T.
Identifiers: ClinVar variation 3250893 (VCV003250893.19), dbSNP rs1227078334.